The following is an entry in ClinVar:

NM_005359.6(SMAD4):c.711G>A (p.Leu237=)

Gene: SMAD4 (SMAD family member 4; plus strand). Cytogenetic location: 18q21.2.
Variant type: single nucleotide variant.
Coding change: c.711G>A on transcript NM_005359.6 (MANE Select); coding-DNA position 711, G replaced by A.
Protein change: p.Leu237=; no amino-acid change (leucine 237 retained).
Molecular consequence: synonymous variant. On other transcripts: non-coding transcript variant (2).
Genome position (GRCh38, 1-based): chr18:51,058,168, G>A. VCF-style: chr18-51058168-G-A. GRCh37 (hg19) VCF-style: chr18-48584538-G-A.
Other names: c.711G>A, p.Leu237= (NM_001407041.1, NM_001407042.1, NM_001407043.1).
Identifiers: ClinVar variation 3904300 (VCV003904300.3).

ClinVar aggregate classification (germline): Benign/Likely benign. Review status: criteria provided, multiple submitters, no conflicts (2 of 4 stars). 3 submissions from 3 submitters: Benign (1); Likely benign (2). Last evaluated 2025-08-11.

Conditions:
Juvenile polyposis/hereditary hemorrhagic telangiectasia syndrome (JPHT). Also called: JP/HHT SYNDROME; JUVENILE POLYPOSIS WITH HEREDITARY HEMORRHAGIC TELANGIECTASIA; POLYPOSIS, GENERALIZED JUVENILE, WITH PULMONARY ARTERIOVENOUS MALFORMATION; TELANGIECTASIA, HEREDITARY HEMORRHAGIC, WITH JUVENILE POLYPOSIS COLI; Juvenile Polyposis Syndrome / Hereditary Hemorrhagic Telangiectasia (JPS/HHT). Identifiers: Orphanet 2929, MedGen C1832942, MONDO:0008278, OMIM 175050.
Juvenile polyposis syndrome (JPS). Identifiers: Orphanet 2929, MedGen C0345893, MONDO:0017380, OMIM 174900.
Familial thoracic aortic aneurysm and aortic dissection (TAAD). Also called: Thoracic aortic aneurysms and dissections. Identifiers: Orphanet 91387, MedGen C4707243, MONDO:0019625.
Hereditary cancer-predisposing syndrome. Also called: Neoplastic Syndromes, Hereditary; Tumor predisposition; Hereditary neoplastic syndrome; Hereditary Cancer Syndrome. Identifiers: Orphanet 140162, MedGen C0027672, MeSH D009386, MONDO:0015356.

gnomAD v4.1: 1 of 1,614,208 alleles (0.000062%); highest among the groups gnomAD compares: Non-Finnish European, 0.000085%; no homozygotes.

Submissions (3):

Labcorp Genetics (formerly Invitae), Labcorp
Classification: Likely benign for Juvenile polyposis syndrome. Last evaluated: 2025-08-11. Review status: criteria provided, single submitter. Criteria: Invitae Variant Classification Sherloc (09022015). Collection method: clinical testing. Allele origin: germline.

Ambry Genetics
Classification: Likely benign for Hereditary cancer-predisposing syndrome; Familial thoracic aortic aneurysm and aortic dissection. Last evaluated: 2025-08-01. Review status: criteria provided, single submitter. Criteria: Ambry Variant Classification Scheme 2023. Collection method: clinical testing. Allele origin: germline.

Myriad Genetics, Inc.
Classification: Benign for Juvenile polyposis/hereditary hemorrhagic telangiectasia syndrome. Last evaluated: 2025-03-19. Review status: criteria provided, single submitter. Criteria: Myriad Autosomal Dominant, Autosomal Recessive and X-Linked Classification Criteria (2023). Collection method: clinical testing. Allele origin: unknown.
Comment: This variant is considered benign. This variant is a silent/synonymous amino acid change and it is not expected to impact splicing.